The following is an entry in ClinVar:

ClinVar aggregate classification (germline): Uncertain significance. Review status: criteria provided, multiple submitters, no conflicts (2 of 4 stars). 2 submissions from 2 submitters: Uncertain significance (2). Last evaluated 2023-06-03.

Allele frequency attached by ClinVar (database versions not stated): gnomAD exomes 0.00002; ExAC 0.00004.
gnomAD v4.1: 20 of 1,187,941 alleles (0.0017%); highest among the groups gnomAD compares: East Asian, 0.0092%; no homozygotes.

Submissions (2):

Labcorp Genetics (formerly Invitae), Labcorp
Classification: Uncertain significance. Last evaluated: 2023-06-03. Review status: criteria provided, single submitter. Criteria: Invitae Variant Classification Sherloc (09022015). Collection method: clinical testing. Allele origin: germline.
Comment: This variant has not been reported in the literature in individuals affected with CACNA1F-related conditions. Advanced modeling of protein sequence and biophysical properties (such as structural, functional, and spatial information, amino acid conservation, physicochemical variation, residue mobility, and thermodynamic stability) performed at Invitae indicates that this missense variant is not expected to disrupt CACNA1F protein function. In summary, the available evidence is currently insufficient to determine the role of this variant in disease. Therefore, it has been classified as a Variant of Uncertain Significance. The frequency data for this variant in the population databases is considered unreliable, as metrics indicate poor data quality at this position in the gnomAD database. This sequence change replaces arginine, which is basic and polar, with histidine, which is basic and polar, at codon 510 of the CACNA1F protein (p.Arg510His).

Blueprint Genetics
Classification: Uncertain significance. Last evaluated: 2023-05-10. Review status: criteria provided, single submitter. Criteria: ACMG Guidelines, 2015. Collection method: clinical testing. Allele origin: germline.

NM_001256789.3(CACNA1F):c.1496G>A (p.Arg499His)

Gene: CACNA1F (calcium voltage-gated channel subunit alpha1 F; minus strand). Cytogenetic location: Xp11.23.
Variant type: single nucleotide variant.
Coding change: c.1496G>A on transcript NM_001256789.3 (MANE Select); coding-DNA position 1496, G replaced by A.
Protein change: p.Arg499His; replaces arginine 499 with histidine.
Molecular consequence: missense variant.
Genome position (GRCh38, 1-based): chrX:49,226,064, C>T on the plus strand (G>A on the coding strand, the complement: CACNA1F is on the minus strand). VCF-style: chrX-49226064-C-T. GRCh37 (hg19) VCF-style: chrX-49082526-C-T.
Other names: c.1334G>A, p.Arg445His (NM_001256790.3); c.1529G>A, p.Arg510His (NM_005183.4); short protein forms R445H, R499H, R510H.
Identifiers: ClinVar variation 2997015 (VCV002997015.4), dbSNP rs782290338, ClinGen allele CA10410841.